The following is an entry in ClinVar:

ClinVar aggregate classification (germline): Benign. Review status: criteria provided, multiple submitters, no conflicts (2 of 4 stars). 2 submissions from 2 submitters: Benign (2). Last evaluated 2017-04-27.

Conditions:
Intellectual developmental disorder, X-linked 93. Also called: MENTAL RETARDATION, X-LINKED, WITH MACROCEPHALY; Intellectual disability, X-linked 93. Identifiers: MedGen C1970841, MONDO:0010393, OMIM 300659.

Allele frequency attached by ClinVar (database versions not stated): TOPMed 0.02566; 1000 Genomes Project 30x 0.01270; 1000 Genomes Project 0.01325; gnomAD 0.02680 and 0.02612.

Submissions (2):

Illumina Laboratory Services, Illumina
Classification: Benign for Intellectual developmental disorder, X-linked 93. Last evaluated: 2017-04-27. Review status: criteria provided, single submitter. Criteria: ICSL Variant Classification Criteria 13 December 2019. Collection method: clinical testing. Allele origin: germline.
Comment: This variant was observed as part of a predisposition screen in an ostensibly healthy population. A literature search was performed for the gene, cDNA change, and amino acid change (where applicable). No publications were found based on this search. Allele frequency data from public databases was too high to be consistent with this variant causing disease. Therefore, this variant is classified as benign.

Breakthrough Genomics
Classification: Benign. Review status: criteria provided, single submitter. Criteria: ACMG Guidelines, 2015. Collection method: not provided. Allele origin: germline. Inheritance: X-linked inheritance. Affected: yes.

NM_153252.5(BRWD3):c.*1036A>C

Gene: BRWD3 (bromodomain and WD repeat domain containing 3; minus strand). Cytogenetic location: Xq21.1.
Variant type: single nucleotide variant.
Coding change: c.*1036A>C on transcript NM_153252.5 (MANE Select); 1036 bases downstream of the stop codon, A replaced by C.
Molecular consequence: 3 prime UTR variant.
Genome position (GRCh38, 1-based): chrX:80,675,573, T>G on the plus strand (A>C on the coding strand, the complement: BRWD3 is on the minus strand). VCF-style: chrX-80675573-T-G. GRCh37 (hg19) VCF-style: chrX-79931072-T-G.
Identifiers: ClinVar variation 368719 (VCV000368719.6), dbSNP rs41300175, ClinGen allele CA10654073.